The following is an entry in ClinVar:

NM_000287.4(PEX6):c.1367+2T>C

Gene: PEX6 (peroxisomal biogenesis factor 6; minus strand). Cytogenetic location: 6p21.1.
Variant type: single nucleotide variant.
Coding change: c.1367+2T>C on transcript NM_000287.4 (MANE Select); the canonical splice donor site of the intron after coding-DNA position 1367, T replaced by C.
Molecular consequence: splice donor variant.
Genome position (GRCh38, 1-based): chr6:42,969,666, A>G on the plus strand (T>C on the coding strand, the complement: PEX6 is on the minus strand). VCF-style: chr6-42969666-A-G. GRCh37 (hg19) VCF-style: chr6-42937404-A-G.
Other names: c.1103+2T>C (NM_001316313.2).
Identifiers: ClinVar variation 2107628 (VCV002107628.4), dbSNP rs2481232940, ClinGen allele CA364155524.

ClinVar aggregate classification (germline): Likely pathogenic (1 of 4 stars; one submission).

Conditions:
Peroxisome biogenesis disorder. Identifiers: Orphanet 79189, MedGen C1832200, MONDO:0019234. Disease mechanism: loss of function.

Submission:

Labcorp Genetics (formerly Invitae), Labcorp
Classification: Likely pathogenic for Peroxisome biogenesis disorder. Last evaluated: 2022-03-08. Review status: criteria provided, single submitter. Criteria: Invitae Variant Classification Sherloc (09022015). Collection method: clinical testing. Allele origin: germline.
Comment: Algorithms developed to predict the effect of sequence changes on RNA splicing suggest that this variant may disrupt the consensus splice site. In summary, the currently available evidence indicates that the variant is pathogenic, but additional data are needed to prove that conclusively. Therefore, this variant has been classified as Likely Pathogenic. This sequence change affects a donor splice site in intron 5 of the PEX6 gene. It is expected to disrupt RNA splicing. Variants that disrupt the donor or acceptor splice site typically lead to a loss of protein function (PMID: 16199547), and loss-of-function variants in PEX6 are known to be pathogenic (PMID: 8670792, 19877282, 21031596). This variant is not present in population databases (gnomAD no frequency). This variant has not been reported in the literature in individuals affected with PEX6-related conditions.

Literature cited by the submitters: PubMed 16199547; PubMed 8670792; PubMed 19877282; PubMed 21031596.